The following is an entry in ClinVar:

NM_001164508.2(NEB):c.5671G>A (p.Ala1891Thr)

Gene: NEB (nebulin; minus strand). Cytogenetic location: 2q23.3.
Variant type: single nucleotide variant.
Coding change: c.5671G>A on transcript NM_001164508.2 (MANE Select); coding-DNA position 5671, G replaced by A.
Protein change: p.Ala1891Thr; replaces alanine 1891 with threonine.
Molecular consequence: missense variant.
Genome position (GRCh38, 1-based): chr2:151,663,640, C>T on the plus strand (G>A on the coding strand, the complement: NEB is on the minus strand). VCF-style: chr2-151663640-C-T. GRCh37 (hg19) VCF-style: chr2-152520154-C-T.
Other names: c.5671G>A, p.Ala1891Thr (NM_001164507.2, NM_001271208.2, NM_004543.5); short protein forms A1891T.
Identifiers: ClinVar variation 534021 (VCV000534021.12), dbSNP rs1553484895, ClinGen allele CA348807868.
Genomic context (GRCh38, chr2:151,663,640, plus strand): 5'-ATTCAAAGCTCATGGCATCAGGAAGCATGTTGTAGGTATGGATCACGTTCCTGTAGTTGG[C>T]ATTGGTGGCCACTTCCTGAGACTTCTTGGCTGCCACCACACTGAGCATGTCCACCGGGGT-3'
Protein context (NP_001157980.2, residues 1881-1901): AKKSQEVATN[Ala1891Thr]NYRNVIHTYN

ClinVar aggregate classification (germline): Uncertain significance. Review status: criteria provided, single submitter (1 of 4 stars). 2 submissions from 2 submitters: Uncertain significance (1). 1 of the submissions does not count toward it. Last evaluated 2022-07-12.

Conditions:
Nemaline myopathy 2 (NEM2). Also called: Nemaline myopathy 2, autosomal recessive. Identifiers: MedGen C1850569, MONDO:0009725, OMIM 256030.

Allele frequency attached by ClinVar (database versions not stated): gnomAD exomes below 0.00001; gnomAD 0.00003.
gnomAD v4.1: 5 of 1,613,680 alleles (0.00031%); highest among the groups gnomAD compares: Admixed American, 0.0083%; no homozygotes.

Submissions (2):

Labcorp Genetics (formerly Invitae), Labcorp
Classification: Uncertain significance for Nemaline myopathy 2. Last evaluated: 2022-07-12. Review status: criteria provided, single submitter. Criteria: Invitae Variant Classification Sherloc (09022015). Collection method: clinical testing. Allele origin: germline.
Comment: This sequence change replaces alanine, which is neutral and non-polar, with threonine, which is neutral and polar, at codon 1891 of the NEB protein (p.Ala1891Thr). This variant is not present in population databases (gnomAD no frequency). This variant has not been reported in the literature in individuals affected with NEB-related conditions. ClinVar contains an entry for this variant (Variation ID: 534021). Algorithms developed to predict the effect of missense changes on protein structure and function output the following: SIFT: "Tolerated"; PolyPhen-2: "Not Available"; Align-GVGD: "Class C0". The threonine amino acid residue is found in multiple mammalian species, which suggests that this missense change does not adversely affect protein function. In summary, the available evidence is currently insufficient to determine the role of this variant in disease. Therefore, it has been classified as a Variant of Uncertain Significance.

Natera, Inc.
Classification: Uncertain significance for Nemaline myopathy type 2. Last evaluated: 2021-09-01. Review status: no assertion criteria provided. Collection method: clinical testing. Allele origin: germline. Not counted in ClinVar's aggregate classification.